The following is an entry in ClinVar:

ClinVar aggregate classification (germline): Likely benign. Review status: criteria provided, multiple submitters, no conflicts (2 of 4 stars). 2 submissions from 2 submitters: Likely benign (2). Last evaluated 2021-04-04.

Conditions:
Hereditary cancer-predisposing syndrome. Also called: Hereditary Cancer Syndrome; Hereditary neoplastic syndrome; Neoplastic Syndromes, Hereditary; Tumor predisposition. Identifiers: Orphanet 140162, MedGen C0027672, MeSH D009386, MONDO:0015356.

gnomAD v4.1: 1 of 1,613,938 alleles (0.000062%); highest among the groups gnomAD compares: Non-Finnish European, 0.000085%; no homozygotes.

Submissions (2):

Ambry Genetics
Classification: Likely benign for Hereditary cancer-predisposing syndrome. Last evaluated: 2021-04-04. Review status: criteria provided, single submitter. Criteria: Ambry Variant Classification Scheme 2023. Collection method: clinical testing. Allele origin: germline.

GeneDx
Classification: Likely benign. Last evaluated: 2016-02-09. Review status: criteria provided, single submitter. Criteria: GeneDx Variant Classification (06012015). Collection method: clinical testing. Allele origin: germline. Affected: yes.
Comment: This variant is considered likely benign or benign based on one or more of the following criteria: it is a conservative change, it occurs at a poorly conserved position in the protein, it is predicted to be benign by multiple in silico algorithms, and/or has population frequency not consistent with disease.

NM_006231.4(POLE):c.4708C>A (p.Arg1570=)

Gene: POLE (DNA polymerase epsilon, catalytic subunit; minus strand). Cytogenetic location: 12q24.33.
Variant type: single nucleotide variant.
Coding change: c.4708C>A on transcript NM_006231.4 (MANE Select); coding-DNA position 4708, C replaced by A.
Protein change: p.Arg1570=; no amino-acid change (arginine 1570 retained).
Molecular consequence: synonymous variant.
Genome position (GRCh38, 1-based): chr12:132,642,840, G>T on the plus strand (C>A on the coding strand, the complement: POLE is on the minus strand). VCF-style: chr12-132642840-G-T. GRCh37 (hg19) VCF-style: chr12-133219426-G-T.
Identifiers: ClinVar variation 383802 (VCV000383802.3), dbSNP rs1037592848, ClinGen allele CA16606418.